The following is an entry in ClinVar:

ClinVar aggregate classification (germline): Conflicting classifications of pathogenicity. Review status: criteria provided, conflicting classifications (1 of 4 stars). 17 submissions from 15 submitters: Likely pathogenic (1); Uncertain significance (13). 3 of the submissions do not count toward it. Last evaluated 2026-02-24.

Conditions:
TNNT2-related disorder. Also called: TNNT2-related condition.
Cardiovascular phenotype. Identifiers: MedGen CN230736.
Hypertrophic cardiomyopathy 2. Also called: TNNT2-Related Familial Hypertrophic Cardiomyopathy. Identifiers: MedGen C1861864, MONDO:0007266, OMIM 115195.
Dilated cardiomyopathy 1D. Identifiers: Orphanet 154, Orphanet 54260, MedGen C1832243, MONDO:0011095, OMIM 601494.
Cardiomyopathy, familial restrictive, 3. Identifiers: Orphanet 75249, MedGen C2676271, MONDO:0012900, OMIM 612422.
Cardiomyopathy (CMYO). Also called: Cardiomyopathies. Identifiers: Orphanet 167848, MedGen C0878544, MONDO:0004994, HP:0001638. Inheritance: Various modes of inheritance.
Hypertrophic cardiomyopathy. Also called: HYPERTROPHIC MYOCARDIOPATHY. Identifiers: Orphanet 217569, MedGen C0007194, MeSH D002312, MONDO:0005045, HP:0001639.

Allele frequency attached by ClinVar (database versions not stated): gnomAD exomes 0.00001; ExAC 0.00002; TOPMed 0.00002; gnomAD 0.00005; 1000 Genomes Project 30x 0.00016; 1000 Genomes Project 0.00020.

Submissions 1 to 9 of 17:

Women's Health and Genetics/Laboratory Corporation of America, LabCorp
Classification: Uncertain significance. Last evaluated: 2026-02-24. Review status: criteria provided, single submitter. Criteria: LabCorp Variant Classification Summary - May 2015. Collection method: clinical testing. Allele origin: germline.
Comment: Variant summary: TNNT2 c.833G>A (p.Arg278His) results in a non-conservative amino acid change in the encoded protein sequence. Algorithms developed to predict the effect of missense changes on protein structure and function are either unavailable or do not agree on the potential impact of this missense change. The variant allele was found at a frequency of 1.2e-05 in 244400 control chromosomes. The available data on variant occurrences in the general population are insufficient to allow any conclusion about variant significance. c.833G>A has been observed in individuals affected with Hypertrophic Cardiomyopathy, however without strong evidence (i.e. segregation data) supporting causality (e.g. Pasquale_2012, Burns_2017, Walsh_2017, Ingles_2017, Micheu_2020, McGurk_2023, Earle_2024). These reports do not provide unequivocal conclusions about association of the variant with Hypertrophic Cardiomyopathy. To our knowledge, no experimental evidence demonstrating an impact on protein function has been reported. The following publications have been ascertained in the context of this evaluation (PMID: 28790153, 38456273, 28408708, 33297573, 22144547, 27532257, 37652022). ClinVar contains an entry for this variant (Variation ID: 43674). Based on the evidence outlined above, the variant was classified as uncertain significance.

Labcorp Genetics (formerly Invitae), Labcorp
Classification: Likely pathogenic for Cardiomyopathy, familial restrictive, 3; Hypertrophic cardiomyopathy 2; Dilated cardiomyopathy 1D. Last evaluated: 2025-12-23. Review status: criteria provided, single submitter. Criteria: Invitae Variant Classification Sherloc (09022015). Collection method: clinical testing. Allele origin: germline.
Comment: This sequence change replaces arginine, which is basic and polar, with histidine, which is basic and polar, at codon 278 of the TNNT2 protein (p.Arg278His). This variant is present in population databases (rs397516484, gnomAD 0.01%). This missense change has been observed in individual(s) with hypertrophic cardiomyopathy (PMID: 20624503, 22144547, 27532257, 28408708, 33297573). This variant is also known as p.Arg288His. ClinVar contains an entry for this variant (Variation ID: 43674). Invitae Evidence Modeling of protein sequence and biophysical properties (such as structural, functional, and spatial information, amino acid conservation, physicochemical variation, residue mobility, and thermodynamic stability) indicates that this missense variant is not expected to disrupt TNNT2 protein function with a negative predictive value of 80%. This variant disrupts the p.Arg278 amino acid residue in TNNT2. Other variant(s) that disrupt this residue have been determined to be pathogenic (PMID: 12974739, 15958377, 23283745, 24793961). This suggests that this residue is clinically significant, and that variants that disrupt this residue are likely to be disease-causing. In summary, the currently available evidence indicates that the variant is pathogenic, but additional data are needed to prove that conclusively. Therefore, this variant has been classified as Likely Pathogenic.

PreventionGenetics, part of Exact Sciences
Classification: Uncertain significance for TNNT2-related condition. Last evaluated: 2024-12-13. Review status: criteria provided, single submitter. Criteria: ACMG Guidelines, 2015. Collection method: clinical testing. Allele origin: germline.
Comment: The TNNT2 c.833G>A variant is predicted to result in the amino acid substitution p.Arg278His. This variant has been reported in individuals with hypertrophic cardiomyopathy (Pasquale et al. 2012. PubMed ID: 22144547; Table S1B, Walsh et al. 2017. PubMed ID: 27532257; Table S2, Burns et al. 2017. PubMed ID: 28790153; described as p.Arg288His in Micheu et al. 2020. PubMed ID: 33297573); however, this variant was also identified in unaffected individuals (Table S8, McGurk et al. 2023. PubMed ID: 37652022). This variant is reported in 0.0068% of alleles in individuals of South Asian descent in gnomAD. Alternate nucleotide changes affecting the same amino acid (p.Arg278Leu, p.Arg278Cys, p.Arg278Pro) have been reported in individuals with hypertrophic cardiomyopathy (Kassem et al. 2013. PubMed ID: 23233322; Watkins et al. 1995. PubMed ID: 7898523; Table S1B, Walsh et al. 2017. PubMed ID: 27532257). At this time, the clinical significance of the c.833G>A (p.Arg278His) variant is uncertain due to the absence of conclusive functional and genetic evidence.

Color Diagnostics, LLC DBA Color Health
Classification: Uncertain significance for Cardiomyopathy. Last evaluated: 2024-08-27. Review status: criteria provided, single submitter. Criteria: ACMG Guidelines, 2015. Collection method: clinical testing. Allele origin: germline.
Comment: This missense variant replaces arginine with histidine at codon 278 of the TNNT2 protein. Computational prediction tools indicate that this variant has a neutral impact on protein structure and function. To our knowledge, functional studies have not been reported for this variant. This variant has been reported in seven unrelated individuals affected with hypertrophic cardiomyopathy (PMID: 22144547, 27532257, 28408708, 28771489, 28790153, 28971120 , 28971120, 33297573, 34087240). In one family affected with hypertrophic cardiomyopathy, this variant has been reported in two affected carriers and one unaffected carrier (PMID: 34087240). This variant has been identified in 4/275756 chromosomes in the general population by the Genome Aggregation Database (gnomAD). A different variant affecting the same codon, p.Arg278Pro, is considered to be disease-causing (ClinVar variation ID: 177635), suggesting that arginine at this position is important for TNNT2 protein function. The available evidence is insufficient to determine the role of this variant in disease conclusively. Therefore, this variant is classified as a Variant of Uncertain Significance.

All of Us Research Program, National Institutes of Health
Classification: Uncertain significance for Cardiomyopathy. Last evaluated: 2024-02-22. Review status: criteria provided, single submitter. Criteria: ACMG Guidelines, 2015. Collection method: clinical testing. Allele origin: germline. Inheritance: Autosomal dominant inheritance. Observed: 3 variant alleles, 3 heterozygotes.
Comment: This missense variant replaces arginine with histidine at codon 278 of the TNNT2 protein. Computational prediction suggests that this variant may not impact protein structure and function (internally defined REVEL score threshold <= 0.5, PMID: 27666373). To our knowledge, functional studies have not been reported for this variant. This variant has been reported in seven unrelated individuals affected with hypertrophic cardiomyopathy (PMID: 22144547, 27532257, 28408708, 28771489, 28790153, 28971120 , 28971120, 33297573). This variant has also been reported in a family affected with hypertrophic cardiomyopathy including two affected carriers and one unaffected carrier (PMID: 34087240). This variant has been identified in 4/275756 chromosomes in the general population by the Genome Aggregation Database (gnomAD). A different variant affecting the same codon, p.Arg278Pro, is considered to be disease-causing (ClinVar variation ID: 177635), suggesting that arginine at this position is important for TNNT2 protein function. The available evidence is insufficient to determine the role of this variant in disease conclusively. Therefore, this variant is classified as a Variant of Uncertain Significance.

This study involves interpretation of variants in research participants for the purpose of population health screening. Participant phenotype was not available at the time of variant classification. Additional details can be found in publication PMID: 35346344, PMCID: PMC8962531

Blueprint Genetics
Classification: Uncertain significance. Last evaluated: 2023-12-21. Review status: criteria provided, single submitter. Criteria: ACMG Guidelines, 2015. Collection method: clinical testing. Allele origin: germline.

Genome-Nilou Lab
Classification: Uncertain significance for Dilated cardiomyopathy 1D. Last evaluated: 2023-04-11. Review status: criteria provided, single submitter. Criteria: ACMG Guidelines, 2015. Collection method: clinical testing. Allele origin: germline. Affected: no.

Genome-Nilou Lab
Classification: Uncertain significance for Cardiomyopathy, familial restrictive, 3. Last evaluated: 2023-04-11. Review status: criteria provided, single submitter. Criteria: ACMG Guidelines, 2015. Collection method: clinical testing. Allele origin: germline. Affected: no.

Genome-Nilou Lab
Classification: Uncertain significance for Hypertrophic cardiomyopathy 2. Last evaluated: 2023-04-11. Review status: criteria provided, single submitter. Criteria: ACMG Guidelines, 2015. Collection method: clinical testing. Allele origin: germline. Affected: no.

NM_001276345.2(TNNT2):c.863G>A (p.Arg288His)

Gene: TNNT2 (troponin T2, cardiac type; minus strand). Cytogenetic location: 1q32.1.
Variant type: single nucleotide variant.
Coding change: c.863G>A on transcript NM_001276345.2 (MANE Select); coding-DNA position 863, G replaced by A.
Protein change: p.Arg288His; replaces arginine 288 with histidine.
Molecular consequence: missense variant.
Genome position (GRCh38, 1-based): chr1:201,359,244, C>T on the plus strand (G>A on the coding strand, the complement: TNNT2 is on the minus strand). VCF-style: chr1-201359244-C-T. GRCh37 (hg19) VCF-style: chr1-201328372-C-T.
Other names: c.854G>A, p.Arg285His (NM_000364.4); c.833G>A, p.Arg278His (NM_001001430.3, NM_001276347.2); c.824G>A, p.Arg275His (NM_001001431.3); c.815G>A, p.Arg272His (NM_001001432.3); c.734G>A, p.Arg245His (NM_001276346.2); short protein forms R278H, R285H, R245H, R272H, R275H, R288H.
Identifiers: ClinVar variation 43674 (VCV000043674.32), dbSNP rs397516484, ClinGen allele CA077561.